The following is an entry in ClinVar:

NM_004380.3(CREBBP):c.2881-21G>C

Gene: CREBBP (CREB binding lysine acetyltransferase; minus strand). Cytogenetic location: 16p13.3.
Variant type: single nucleotide variant.
Coding change: c.2881-21G>C on transcript NM_004380.3 (MANE Select); 21 bases into the intron before coding-DNA position 2881, G replaced by C.
Molecular consequence: intron variant.
Genome position (GRCh38, 1-based): chr16:3,769,374, C>G on the plus strand (G>C on the coding strand, the complement: CREBBP is on the minus strand). VCF-style: chr16-3769374-C-G. GRCh37 (hg19) VCF-style: chr16-3819375-C-G.
Other names: c.2767-21G>C (NM_001079846.1).
Identifiers: ClinVar variation 4996956 (VCV004996956.1).
Genomic context (GRCh38, chr16:3,769,374, plus strand): 5'-TAGGGACTCTGTTATCAATGCTGGCTGCTGCCTGGGAAAGCTGTGAAAAAACCGAAAGCA[C>G]TGACTTCAGTAAGCAAGGTAACATAAATGATCTTCAACTATGCTGCTCATGCAACCTACA-3'

ClinVar aggregate classification (germline): Likely benign (1 of 4 stars; one submission).

Conditions:
CREBBP-related disorder. Also called: CREBBP-related condition; CREBBP-related disorders.

gnomAD v4.1: 1 of 1,613,990 alleles (0.000062%); highest among the groups gnomAD compares: Non-Finnish European, 0.000085%; no homozygotes.

Submission:

PreventionGenetics, part of Exact Sciences
Classification: Likely benign for CREBBP-related condition. Last evaluated: 2025-01-13. Review status: criteria provided, single submitter. Criteria: ACMG Guidelines, 2015. Collection method: clinical testing. Allele origin: germline.
Comment: This variant is classified as likely benign based on ACMG/AMP sequence variant interpretation guidelines (Richards et al. 2015 PMID: 25741868, with internal and published modifications).